The following is an entry in ClinVar:

NM_004304.5(ALK):c.634C>T (p.Gln212Ter)

Gene: ALK (ALK receptor tyrosine kinase; minus strand). Cytogenetic location: 2p23.1.
Variant type: single nucleotide variant.
Coding change: c.634C>T on transcript NM_004304.5 (MANE Select); coding-DNA position 634, C replaced by T.
Protein change: p.Gln212Ter; replaces glutamine 212 with a stop codon.
Molecular consequence: nonsense.
Genome position (GRCh38, 1-based): chr2:29,920,026, G>A on the plus strand (C>T on the coding strand, the complement: ALK is on the minus strand). VCF-style: chr2-29920026-G-A. GRCh37 (hg19) VCF-style: chr2-30142892-G-A.
Other names: short protein forms Q212*.
Identifiers: ClinVar variation 3730304 (VCV003730304.2).

ClinVar aggregate classification (germline): Uncertain significance (1 of 4 stars; one submission).

Conditions:
Neuroblastoma, susceptibility to, 3. Also called: ALK-Related Neuroblastic Tumor Susceptibility. Identifiers: Orphanet 635, MedGen C2751681, MONDO:0013083, OMIM 613014.

gnomAD v4.1: 1 of 1,614,032 alleles (0.000062%); highest among the groups gnomAD compares: Admixed American, 0.0017%; no homozygotes.

Submission:

Labcorp Genetics (formerly Invitae), Labcorp
Classification: Uncertain significance for Neuroblastoma, susceptibility to, 3. Last evaluated: 2025-12-20. Review status: criteria provided, single submitter. Criteria: Invitae Variant Classification Sherloc (09022015). Collection method: clinical testing. Allele origin: germline.
Comment: This sequence change creates a premature translational stop signal (p.Gln212*) in the ALK gene. It is expected to result in an absent or disrupted protein product. However, the current clinical and genetic evidence is not sufficient to establish whether loss-of-function variants in ALK cause disease. This variant is not present in population databases (gnomAD no frequency). This variant has not been reported in the literature in individuals affected with ALK-related conditions. ClinVar contains an entry for this variant (Variation ID: 3730304). In summary, the available evidence is currently insufficient to determine the role of this variant in disease. Therefore, it has been classified as a Variant of Uncertain Significance.